The following is an entry in ClinVar:

NM_001033855.3(DCLRE1C):c.1709T>G (p.Ile570Ser)

Gene: DCLRE1C (DNA cross-link repair 1C; minus strand). Cytogenetic location: 10p13.
Variant type: single nucleotide variant.
Coding change: c.1709T>G on transcript NM_001033855.3 (MANE Select); coding-DNA position 1709, T replaced by G.
Protein change: p.Ile570Ser; replaces isoleucine 570 with serine.
Molecular consequence: missense variant. On other transcripts: non-coding transcript variant (4).
Genome position (GRCh38, 1-based): chr10:14,908,778, A>C on the plus strand (T>G on the coding strand, the complement: DCLRE1C is on the minus strand). VCF-style: chr10-14908778-A-C. GRCh37 (hg19) VCF-style: chr10-14950777-A-C.
Other names: c.1349T>G, p.Ile450Ser (NM_001033857.3, NM_001033858.3, NM_001289077.2 and 2 more transcripts); c.1364T>G, p.Ile455Ser (NM_001289076.2, NM_001289078.2, NM_001350966.2 and 1 more transcripts); c.1709T>G, p.Ile570Ser (NM_001350965.2); c.1709T>G (NM_001033855.1); short protein forms I570S, I450S, I455S.
Identifiers: ClinVar variation 659975 (VCV000659975.7), dbSNP rs769187936, ClinGen allele CA5416429.

ClinVar aggregate classification (germline): Uncertain significance. Review status: criteria provided, multiple submitters, no conflicts (2 of 4 stars). 4 submissions from 4 submitters: Uncertain significance (3). 1 of the submissions does not count toward it. Last evaluated 2025-02-06.

Conditions:
Athabaskan severe combined immunodeficiency (SCIDA). Also called: Severe combined immunodeficiency, athabascan-type. Identifiers: MedGen C1865370.
Severe combined immunodeficiency due to DCLRE1C deficiency (RS-SCID). Also called: SCID, AUTOSOMAL RECESSIVE, T CELL-NEGATIVE, B CELL-NEGATIVE, NK CELL-POSITIVE, WITH SENSITIVITY TO IONIZING RADIATION. Identifiers: Orphanet 275, MedGen C1865371, MONDO:0011225, OMIM 602450.
Inborn genetic diseases. Identifiers: MedGen C0950123, MeSH D030342.
Histiocytic medullary reticulosis. Also called: SEVERE COMBINED IMMUNODEFICIENCY WITH HYPEREOSINOPHILIA; Omenn syndrome. Identifiers: Orphanet 39041, MedGen C2700553, MONDO:0011338, OMIM 603554.

Allele frequency attached by ClinVar (database versions not stated): ExAC 0.00002; gnomAD exomes 0.00003; gnomAD 0.00002; TOPMed 0.00003.
gnomAD v4.1: 15 of 1,614,072 alleles (0.00093%); highest among the groups gnomAD compares: Admixed American, 0.025%; no homozygotes.

Submissions (4):

Ambry Genetics
Classification: Uncertain significance for Inborn genetic diseases. Last evaluated: 2025-02-06. Review status: criteria provided, single submitter. Criteria: Ambry Variant Classification Scheme 2023. Collection method: clinical testing. Allele origin: germline.

Labcorp Genetics (formerly Invitae), Labcorp
Classification: Uncertain significance for Athabaskan severe combined immunodeficiency. Last evaluated: 2022-08-09. Review status: criteria provided, single submitter. Criteria: Invitae Variant Classification Sherloc (09022015). Collection method: clinical testing. Allele origin: germline.
Comment: This sequence change replaces isoleucine, which is neutral and non-polar, with serine, which is neutral and polar, at codon 570 of the DCLRE1C protein (p.Ile570Ser). This variant is present in population databases (rs769187936, gnomAD 0.03%). This variant has not been reported in the literature in individuals affected with DCLRE1C-related conditions. ClinVar contains an entry for this variant (Variation ID: 659975). Algorithms developed to predict the effect of missense changes on protein structure and function output the following: SIFT: "Tolerated"; PolyPhen-2: "Benign"; Align-GVGD: "Class C0". The serine amino acid residue is found in multiple mammalian species, which suggests that this missense change does not adversely affect protein function. In summary, the available evidence is currently insufficient to determine the role of this variant in disease. Therefore, it has been classified as a Variant of Uncertain Significance.

Center for Genomics, Ann and Robert H. Lurie Children's Hospital of Chicago
Classification: Uncertain significance for Severe combined immunodeficiency due to DCLRE1C deficiency; Histiocytic medullary reticulosis. Review status: criteria provided, single submitter. Criteria: ACMG Guidelines, 2015. Collection method: clinical testing. Allele origin: germline.
Comment: DCLRE1C NM_022487 exon 13 p.Ile455Ser (c.1364T>G): This variant has not been reported in the literature but is present in 9/33576 Latino alleles in the Genome Aggregation Database. This variant amino acid serine (Ser) is present in 9 species and is not well conserved among evolutionarily distant species; this suggests that this variant may not impact the protein. Additional computational prediction tools do not suggest an impact. In summary, data on this variant is insufficient for disease classification. Therefore, the clinical significance of this variant is uncertain.

Natera, Inc.
Classification: Uncertain significance for Athabascan severe combined immunodeficiency. Last evaluated: 2020-09-12. Review status: no assertion criteria provided. Collection method: clinical testing. Allele origin: germline. Not counted in ClinVar's aggregate classification.